The following is an entry in ClinVar:

NM_005909.5(MAP1B):c.6546C>T (p.Asp2182=)

Gene: MAP1B (microtubule associated protein 1B; plus strand). Cytogenetic location: 5q13.2.
Variant type: single nucleotide variant.
Coding change: c.6546C>T on transcript NM_005909.5 (MANE Select); coding-DNA position 6546, C replaced by T.
Protein change: p.Asp2182=; no amino-acid change (aspartic acid 2182 retained).
Molecular consequence: synonymous variant.
Genome position (GRCh38, 1-based): chr5:72,199,901, C>T. VCF-style: chr5-72199901-C-T. GRCh37 (hg19) VCF-style: chr5-71495728-C-T.
Other names: c.6168C>T, p.Asp2056= (NM_001324255.2).
Identifiers: ClinVar variation 712574 (VCV000712574.6), dbSNP rs77733766, ClinGen allele CA3299495.

ClinVar aggregate classification (germline): Benign/Likely benign. Review status: criteria provided, multiple submitters, no conflicts (2 of 4 stars). 3 submissions from 3 submitters: Benign (1); Likely benign (1). 1 of the submissions does not count toward it. Last evaluated 2024-11-06.

Conditions:
MAP1B-related disorder. Also called: MAP1B-related condition.

Allele frequency attached by ClinVar (database versions not stated): gnomAD 0.00336 and 0.00362; 1000 Genomes Project 0.00379; TOPMed 0.00381; 1000 Genomes Project 30x 0.00390; ESP Exome Variant Server 0.00446; gnomAD exomes 0.00080; ExAC 0.00105.
gnomAD v4.1: 946 of 1,614,122 alleles (0.059%); highest among the groups gnomAD compares: African/African-American, 1.1%; 3 homozygotes.

Submissions (3):

Blueprint Genetics
Classification: Likely benign. Last evaluated: 2024-11-06. Review status: criteria provided, single submitter. Criteria: ACMG Guidelines, 2015. Collection method: clinical testing. Allele origin: germline.

Labcorp Genetics (formerly Invitae), Labcorp
Classification: Benign. Last evaluated: 2018-12-03. Review status: criteria provided, single submitter. Criteria: Invitae Variant Classification Sherloc (09022015). Collection method: clinical testing. Allele origin: germline.

PreventionGenetics, part of Exact Sciences
Classification: Benign for MAP1B-related condition. Last evaluated: 2019-08-12. Review status: no assertion criteria provided. Collection method: clinical testing. Allele origin: germline. Not counted in ClinVar's aggregate classification.
Comment: This variant is classified as benign based on ACMG/AMP sequence variant interpretation guidelines (Richards et al. 2015 PMID: 25741868, with internal and published modifications).